The following is an entry in ClinVar:

NM_030665.4(RAI1):c.716G>A (p.Cys239Tyr)

Gene: RAI1 (retinoic acid induced 1; plus strand). Cytogenetic location: 17p11.2.
Variant type: single nucleotide variant.
Coding change: c.716G>A on transcript NM_030665.4 (MANE Select); coding-DNA position 716, G replaced by A.
Protein change: p.Cys239Tyr; replaces cysteine 239 with tyrosine.
Molecular consequence: missense variant.
Genome position (GRCh38, 1-based): chr17:17,793,664, G>A. VCF-style: chr17-17793664-G-A. GRCh37 (hg19) VCF-style: chr17-17696978-G-A.
Other names: short protein forms C239Y.
Identifiers: ClinVar variation 2786948 (VCV002786948.3), dbSNP rs753226311, ClinGen allele CA398546062.
Genomic context (GRCh38, chr17:17,793,664, plus strand): 5'-CCTCCACCTACTCCTCCTCTGTCCAGGGTGGTGGGCAGGGGGCCCACTCCTATAAGAGTT[G>A]CACAGCACCGACTGCCCAGCCCCATGACAGGCCGCTGACTGCCAGCTCCAGCCTGGCCCC-3'
Protein context (NP_109590.3, residues 229-249): GGQGAHSYKS[Cys239Tyr]TAPTAQPHDR

ClinVar aggregate classification (germline): Uncertain significance (1 of 4 stars; one submission).

Submission:

Labcorp Genetics (formerly Invitae), Labcorp
Classification: Uncertain significance. Last evaluated: 2022-11-17. Review status: criteria provided, single submitter. Criteria: Invitae Variant Classification Sherloc (09022015). Collection method: clinical testing. Allele origin: germline.
Comment: Advanced modeling of protein sequence and biophysical properties (such as structural, functional, and spatial information, amino acid conservation, physicochemical variation, residue mobility, and thermodynamic stability) performed at Invitae indicates that this missense variant is not expected to disrupt RAI1 protein function. In summary, the available evidence is currently insufficient to determine the role of this variant in disease. Therefore, it has been classified as a Variant of Uncertain Significance. This sequence change replaces cysteine, which is neutral and slightly polar, with tyrosine, which is neutral and polar, at codon 239 of the RAI1 protein (p.Cys239Tyr). This variant is not present in population databases (gnomAD no frequency). This variant has not been reported in the literature in individuals affected with RAI1-related conditions.